The following is an entry in ClinVar:

NM_000238.4(KCNH2):c.1801G>T (p.Gly601Cys)

Gene: KCNH2 (potassium voltage-gated channel subfamily H member 2; minus strand). Cytogenetic location: 7q36.1.
Variant type: single nucleotide variant.
Coding change: c.1801G>T on transcript NM_000238.4 (MANE Select); coding-DNA position 1801, G replaced by T.
Protein change: p.Gly601Cys; replaces glycine 601 with cysteine.
Molecular consequence: missense variant.
Genome position (GRCh38, 1-based): chr7:150,951,592, C>A on the plus strand (G>T on the coding strand, the complement: KCNH2 is on the minus strand). VCF-style: chr7-150951592-C-A. GRCh37 (hg19) VCF-style: chr7-150648680-C-A.
Other names: c.1801G>T (LRG_288t1); c.781G>T, p.Gly261Cys (NM_001204798.2, NM_172057.3); c.1513G>T, p.Gly505Cys (NM_001406753.1, NM_001406756.1); c.1624G>T, p.Gly542Cys (NM_001406755.1); c.1501G>T, p.Gly501Cys (NM_001406757.1); c.1801G>T, p.Gly601Cys (NM_172056.3); short protein forms G261C, G601C, G505C, G501C, G542C.
Identifiers: ClinVar variation 67280 (VCV000067280.3), dbSNP rs199472936, ClinGen allele CA005531.

ClinVar aggregate classification (germline): not provided (0 of 4 stars; one submission).

Conditions:
Familial long QT syndrome (RWS). Also called: Congenital long QT syndrome; Romano-Ward syndrome; VENTRICULAR FIBRILLATION WITH PROLONGED QT INTERVAL. Identifiers: Orphanet 768, MedGen C1141890, MONDO:0019171.

Allele frequency attached by ClinVar (database versions not stated): gnomAD exomes below 0.00001.
gnomAD v4.1: 1 of 1,614,188 alleles (0.000062%); highest among the groups gnomAD compares: Non-Finnish European, 0.000085%; no homozygotes.

Submission:

Cardiovascular Biomedical Research Unit, Royal Brompton & Harefield NHS Foundation Trust
No classification provided. Condition: Familial long QT syndrome. Review status: no classification provided. Collection method: literature only. Allele origin: germline.
Comment: This variant has been reported as associated with Long QT syndrome in the following publications (PMID:19716085;PMID:19841300). This is a literature report, and does not necessarily reflect the clinical interpretation of the Imperial College / Royal Brompton Cardiovascular Genetics laboratory.

Literature cited by the submitters: PubMed 19716085; PubMed 19841300; PubMed 22581653.